The following is an entry in ClinVar:

ClinVar aggregate classification (germline): Uncertain significance (1 of 4 stars; one submission).

Allele frequency attached by ClinVar (database versions not stated): gnomAD exomes below 0.00001.
gnomAD v4.1: 5 of 1,518,534 alleles (0.00033%); highest among the groups gnomAD compares: Admixed American, 0.0022%; no homozygotes.

Submission:

Labcorp Genetics (formerly Invitae), Labcorp
Classification: Uncertain significance. Last evaluated: 2024-10-15. Review status: criteria provided, single submitter. Criteria: Invitae Variant Classification Sherloc (09022015). Collection method: clinical testing. Allele origin: germline.
Comment: This sequence change falls in intron 6 of the CPLANE1 gene. It does not directly change the encoded amino acid sequence of the CPLANE1 protein. It affects a nucleotide within the consensus splice site. This variant is not present in population databases (gnomAD no frequency). This variant has not been reported in the literature in individuals affected with CPLANE1-related conditions. ClinVar contains an entry for this variant (Variation ID: 1913358). Variants that disrupt the consensus splice site are a relatively common cause of aberrant splicing (PMID: 17576681, 9536098). Algorithms developed to predict the effect of sequence changes on RNA splicing suggest that this variant is not likely to affect RNA splicing. In summary, the available evidence is currently insufficient to determine the role of this variant in disease. Therefore, it has been classified as a Variant of Uncertain Significance.

Literature cited by the submitters: PubMed 17576681; PubMed 9536098.

NM_001384732.1(CPLANE1):c.677+3G>A

Gene: CPLANE1 (ciliogenesis and planar polarity effector complex subunit 1; minus strand). Cytogenetic location: 5p13.2.
Variant type: single nucleotide variant.
Coding change: c.677+3G>A on transcript NM_001384732.1 (MANE Select); 3 bases into the intron after coding-DNA position 677, G replaced by A.
Molecular consequence: intron variant.
Genome position (GRCh38, 1-based): chr5:37,243,010, C>T on the plus strand (G>A on the coding strand, the complement: CPLANE1 is on the minus strand). VCF-style: chr5-37243010-C-T. GRCh37 (hg19) VCF-style: chr5-37243112-C-T.
Other names: c.677+3G>A (NM_023073.4).
Identifiers: ClinVar variation 1913358 (VCV001913358.5), dbSNP rs1318610219, ClinGen allele CA810314347.